The following is an entry in ClinVar:

ClinVar aggregate classification (germline): Uncertain significance. Review status: criteria provided, multiple submitters, no conflicts (2 of 4 stars). 3 submissions from 3 submitters: Uncertain significance (3). Last evaluated 2022-10-20.

Conditions:
Long QT syndrome (LQTS). Identifiers: MedGen C0023976, MeSH D008133, MONDO:0002442. Disease mechanism: loss of function. Inheritance: Various modes of inheritance.

Allele frequency attached by ClinVar (database versions not stated): gnomAD 0.00001 and 0.00002; TOPMed 0.00001; gnomAD exomes 0.00002.
gnomAD v4.1: 27 of 1,613,784 alleles (0.0017%); highest among the groups gnomAD compares: South Asian, 0.0044%; no homozygotes.

Submissions (3):

Labcorp Genetics (formerly Invitae), Labcorp
Classification: Uncertain significance for Long QT syndrome. Last evaluated: 2022-10-20. Review status: criteria provided, single submitter. Criteria: Invitae Variant Classification Sherloc (09022015). Collection method: clinical testing. Allele origin: germline.
Comment: This sequence change replaces aspartic acid, which is acidic and polar, with asparagine, which is neutral and polar, at codon 905 of the ANK2 protein (p.Asp905Asn). This variant is present in population databases (rs759275920, gnomAD 0.01%). This variant has not been reported in the literature in individuals affected with ANK2-related conditions. ClinVar contains an entry for this variant (Variation ID: 190596). Advanced modeling of protein sequence and biophysical properties (such as structural, functional, and spatial information, amino acid conservation, physicochemical variation, residue mobility, and thermodynamic stability) has been performed at Invitae for this missense variant, however the output from this modeling did not meet the statistical confidence thresholds required to predict the impact of this variant on ANK2 protein function. In summary, the available evidence is currently insufficient to determine the role of this variant in disease. Therefore, it has been classified as a Variant of Uncertain Significance.

GeneDx
Classification: Uncertain significance. Last evaluated: 2014-10-17. Review status: criteria provided, single submitter. Criteria: GeneDx Variant Classification (06012015). Collection method: clinical testing. Allele origin: germline. Affected: yes.
Comment: p.Asp905Asn (GAC>AAC): c.2713 G>A in exon 25 of the ANK2 gene (NM_001148.4). The D905N variant has not been published as a mutation, nor has it been reported as a benign polymorphism to our knowledge. The D905N variant was not observed in approximately 6,500 individuals of European and African American ancestry in the NHLBI Exome Sequencing Project, indicating it is not a common benign variant in these populations. The D905N variant is a semi-conservative amino acid substitution, which may impact secondary protein structure as these residues differ in some properties. This substitution occurs at a position that is conserved across species. In silico analysis predicts this variant is probably damaging to the protein structure/function. Nevertheless, no missense mutations in nearby residues have been reported in association with LQTS, indicating this region of the protein may be tolerant of change. Therefore, based on the currently available information, it is unclear whether this variant is a pathogenic mutation or a rare benign variant. The variant is found in ARRHYTHMIA panel(s).

Stanford Center for Inherited Cardiovascular Disease, Stanford University
Classification: Uncertain significance. Last evaluated: 2014-04-21. Review status: criteria provided, single submitter. Criteria: ACMG Guidelines, 2015. Collection method: provider interpretation. Allele origin: germline.

NM_001148.6(ANK2):c.2713G>A (p.Asp905Asn)

Gene: ANK2 (ankyrin 2; plus strand). Cytogenetic location: 4q26.
Variant type: single nucleotide variant.
Coding change: c.2713G>A on transcript NM_001148.6 (MANE Select); coding-DNA position 2713, G replaced by A.
Protein change: p.Asp905Asn; replaces aspartic acid 905 with asparagine.
Molecular consequence: missense variant.
Genome position (GRCh38, 1-based): chr4:113,317,726, G>A. VCF-style: chr4-113317726-G-A. GRCh37 (hg19) VCF-style: chr4-114238882-G-A.
Other names: p.D905N:GAC>AAC; c.2650G>A, p.Asp884Asn (NM_001127493.3, NM_001354255.2, NM_001354262.2 and 3 more transcripts); c.2725G>A, p.Asp909Asn (NM_001354225.2); c.2713G>A, p.Asp905Asn (NM_001354228.2, NM_001354232.2, NM_001354258.2 and 1 more transcripts); c.2755G>A, p.Asp919Asn (NM_001354230.2, NM_001354231.2, NM_001354237.2 and 1 more transcripts); c.2710G>A, p.Asp904Asn (NM_001354235.2, NM_001354236.2, NM_001354265.2 and 1 more transcripts); c.2647G>A, p.Asp883Asn (NM_001354239.2, NM_001354256.2, NM_001386161.1 and 3 more transcripts); c.2758G>A, p.Asp920Asn (NM_001354240.2, NM_001354241.2, NM_001386144.1); and 18 more; short protein forms D884N, D905N, D843N, D909N, D919N, D114N, D871N, D876N.
Identifiers: ClinVar variation 190596 (VCV000190596.8), dbSNP rs759275920, ClinGen allele CA301026.